The following is an entry in ClinVar:

NM_001098511.3(KIF2A):c.2154A>G (p.Lys718=)

Gene: KIF2A (kinesin family member 2A; plus strand). Cytogenetic location: 5q12.1.
Variant type: single nucleotide variant.
Coding change: c.2154A>G on transcript NM_001098511.3 (MANE Select); coding-DNA position 2154, A replaced by G.
Protein change: p.Lys718=; no amino-acid change (lysine 718 retained).
Molecular consequence: synonymous variant.
Genome position (GRCh38, 1-based): chr5:62,385,488, A>G. VCF-style: chr5-62385488-A-G. GRCh37 (hg19) VCF-style: chr5-61681315-A-G.
Other names: c.1959A>G, p.Lys653= (NM_001243952.2); c.1983A>G, p.Lys661= (NM_001243953.2); c.2040A>G, p.Lys680= (NM_004520.5).
Identifiers: ClinVar variation 4700368 (VCV004700368.1).

ClinVar aggregate classification (germline): Uncertain significance (1 of 4 stars; one submission).

gnomAD v4.1: 1 of 1,576,204 alleles (0.000063%); no homozygotes.

Submission:

Labcorp Genetics (formerly Invitae), Labcorp
Classification: Uncertain significance. Last evaluated: 2025-03-30. Review status: criteria provided, single submitter. Criteria: Invitae Variant Classification Sherloc (09022015). Collection method: clinical testing. Allele origin: germline.
Comment: This sequence change affects codon 718 of the KIF2A mRNA. It is a 'silent' change, meaning that it does not change the encoded amino acid sequence of the KIF2A protein. This variant is not present in population databases (gnomAD no frequency). This variant has not been reported in the literature in individuals affected with KIF2A-related conditions. Algorithms developed to predict the effect of sequence changes on RNA splicing suggest that this variant may create or strengthen a splice site. In summary, the available evidence is currently insufficient to determine the role of this variant in disease. Therefore, it has been classified as a Variant of Uncertain Significance.